The following is an entry in ClinVar:

ClinVar aggregate classification (germline): Uncertain significance (1 of 4 stars; one submission).

Conditions:
Infantile-onset ascending hereditary spastic paralysis (IAHSP). Also called: Autosomal Recessive Juvenile Amyotrophic Lateral Sclerosis; Infantile-Onset Ascending Hereditary Spastic Paralysis (IAHSP). Identifiers: Orphanet 293168, MedGen C2931441, MONDO:0011797, OMIM 607225. Disease mechanism: loss of function.

Submission:

Labcorp Genetics (formerly Invitae), Labcorp
Classification: Uncertain significance for Infantile-onset ascending hereditary spastic paralysis. Last evaluated: 2022-02-21. Review status: criteria provided, single submitter. Criteria: Invitae Variant Classification Sherloc (09022015). Collection method: clinical testing. Allele origin: germline.
Comment: In summary, the available evidence is currently insufficient to determine the role of this variant in disease. Therefore, it has been classified as a Variant of Uncertain Significance. Algorithms developed to predict the effect of missense changes on protein structure and function are either unavailable or do not agree on the potential impact of this missense change (SIFT: "Deleterious"; PolyPhen-2: "Benign"; Align-GVGD: "Class C0"). This variant has not been reported in the literature in individuals affected with ALS2-related conditions. This variant is present in population databases (rs773644458, gnomAD 0.002%). This sequence change replaces methionine, which is neutral and non-polar, with isoleucine, which is neutral and non-polar, at codon 1178 of the ALS2 protein (p.Met1178Ile).

NM_020919.4(ALS2):c.3534G>C (p.Met1178Ile)

Gene: ALS2 (alsin Rho guanine nucleotide exchange factor ALS2; minus strand). Cytogenetic location: 2q33.1.
Variant type: single nucleotide variant.
Coding change: c.3534G>C on transcript NM_020919.4 (MANE Select); coding-DNA position 3534, G replaced by C.
Protein change: p.Met1178Ile; replaces methionine 1178 with isoleucine.
Molecular consequence: missense variant.
Genome position (GRCh38, 1-based): chr2:201,723,420, C>G on the plus strand (G>C on the coding strand, the complement: ALS2 is on the minus strand). VCF-style: chr2-201723420-C-G. GRCh37 (hg19) VCF-style: chr2-202588143-C-G.
Other names: c.3534G>C, p.Met1178Ile (NM_001410975.1); short protein forms M1178I.
Identifiers: ClinVar variation 1923999 (VCV001923999.3), dbSNP rs773644458, ClinGen allele CA2057844.
Genomic context (GRCh38, chr2:201,723,420, plus strand): 5'-GTAGTATAATCCAAACTGGGTAACCACCACACCATTCCCTTGACACACATCATCTTGCCA[C>G]ATTCCCATATACTTTTCCCCCCTGCACAGAAATAAAAAGAAAAGAAAAAGCACTGAAGAT-3'
Protein context (NP_065970.2, residues 1168-1188): DITRGEKYMG[Met1178Ile]WQDDVCQGNG